The following is an entry in ClinVar:

NM_000392.5(ABCC2):c.3615-4A>G

Gene: ABCC2 (ATP binding cassette subfamily C member 2; plus strand). Cytogenetic location: 10q24.2.
Variant type: single nucleotide variant.
Coding change: c.3615-4A>G on transcript NM_000392.5 (MANE Select); 4 bases into the intron before coding-DNA position 3615, A replaced by G.
Molecular consequence: intron variant.
Genome position (GRCh38, 1-based): chr10:99,841,963, A>G. VCF-style: chr10-99841963-A-G. GRCh37 (hg19) VCF-style: chr10-101601720-A-G.
Other names: c.3615-4A>G (NM_000392.4).
Identifiers: ClinVar variation 2998686 (VCV002998686.5), dbSNP rs765753179, ClinGen allele CA5643892.

ClinVar aggregate classification (germline): Likely benign. Review status: criteria provided, single submitter (1 of 4 stars). 2 submissions from 2 submitters: Likely benign (1). 1 of the submissions does not count toward it. Last evaluated 2023-05-16.

Conditions:
ABCC2-related disorder. Also called: ABCC2-related condition.

Allele frequency attached by ClinVar (database versions not stated): ExAC 0.00001; gnomAD exomes 0.00001; gnomAD 0.00003; TOPMed 0.00005.
gnomAD v4.1: 10 of 1,614,014 alleles (0.00062%); highest among the groups gnomAD compares: African/African-American, 0.008%; no homozygotes.

Submissions (2):

Labcorp Genetics (formerly Invitae), Labcorp
Classification: Likely benign. Last evaluated: 2023-05-16. Review status: criteria provided, single submitter. Criteria: Invitae Variant Classification Sherloc (09022015). Collection method: clinical testing. Allele origin: germline.

PreventionGenetics, part of Exact Sciences
Classification: Likely benign for ABCC2-related condition. Last evaluated: 2024-01-16. Review status: no assertion criteria provided. Collection method: clinical testing. Allele origin: germline. Not counted in ClinVar's aggregate classification.
Comment: This variant is classified as likely benign based on ACMG/AMP sequence variant interpretation guidelines (Richards et al. 2015 PMID: 25741868, with internal and published modifications).